The following is an entry in ClinVar:

NM_002691.4(POLD1):c.537G>T (p.Gly179=)

Gene: POLD1 (DNA polymerase delta 1, catalytic subunit; plus strand). Cytogenetic location: 19q13.33.
Variant type: single nucleotide variant.
Coding change: c.537G>T on transcript NM_002691.4 (MANE Select); coding-DNA position 537, G replaced by T.
Protein change: p.Gly179=; no amino-acid change (glycine 179 retained).
Molecular consequence: synonymous variant. On other transcripts: non-coding transcript variant (1).
Genome position (GRCh38, 1-based): chr19:50,402,072, G>T. VCF-style: chr19-50402072-G-T. GRCh37 (hg19) VCF-style: chr19-50905329-G-T.
Other names: c.537G>T, p.Gly179= (NM_001256849.1, NM_001308632.1).
Identifiers: ClinVar variation 571667 (VCV000571667.13), dbSNP rs756483178, ClinGen allele CA9595786.

ClinVar aggregate classification (germline): Conflicting classifications of pathogenicity. Review status: criteria provided, conflicting classifications (1 of 4 stars). 2 submissions from 2 submitters: Uncertain significance (1); Likely benign (1). Last evaluated 2026-01-27.

Conditions:
Hereditary cancer-predisposing syndrome. Also called: Tumor predisposition; Neoplastic Syndromes, Hereditary; Hereditary Cancer Syndrome; Hereditary neoplastic syndrome. Identifiers: Orphanet 140162, MedGen C0027672, MeSH D009386, MONDO:0015356.
POLD1-related polyposis and colorectal cancer syndrome (CRCS10). Also called: Colorectal cancer 10; COLORECTAL CANCER, SUSCEPTIBILITY TO, ON CHROMOSOME 19q; Colorectal cancer, susceptibility to, 10. Identifiers: Orphanet 220460, MedGen C2675481, MONDO:0012953, OMIM 612591.

Allele frequency attached by ClinVar (database versions not stated): gnomAD 0.00001.
gnomAD v4.1: 3 of 1,613,954 alleles (0.00019%); highest among the groups gnomAD compares: East Asian, 0.0022%; no homozygotes.

Submissions (2):

Labcorp Genetics (formerly Invitae), Labcorp
Classification: Likely benign for POLD1-related polyposis and colorectal cancer syndrome. Last evaluated: 2026-01-27. Review status: criteria provided, single submitter. Criteria: Invitae Variant Classification Sherloc (09022015). Collection method: clinical testing. Allele origin: germline.

Ambry Genetics
Classification: Uncertain significance for Hereditary cancer-predisposing syndrome. Last evaluated: 2025-10-29. Review status: criteria provided, single submitter. Criteria: Ambry Variant Classification Scheme 2023. Collection method: clinical testing. Allele origin: germline.
Comment: The c.537G>T variant (also known as p.G179G), located in coding exon 4 of the POLD1 gene, results from a G to T substitution at nucleotide position 537. This nucleotide substitution does not change the amino acid at codon 179. This nucleotide position is poorly conserved in available vertebrate species. In silico splice site analysis predicts that this alteration may result in the creation or strengthening of a novel splice donor site. Based on the available evidence, the clinical significance of this variant remains unclear.